The following is an entry in ClinVar:

ClinVar aggregate classification (germline): Pathogenic (1 of 4 stars; one submission).

Submission:

ISCA site 15
Classification: Pathogenic. Last evaluated: 2011-08-12. Review status: criteria provided, single submitter. Criteria: Kaminsky et al. (Genet Med. 2011). Collection method: clinical testing. Allele origin: de novo. Affected: yes. Observed: 1 variant allele.
Comment: Copy number variation identified through the course of routine clinical cytogenomic testing in postnatal populations. Clinical assertions have been curated as described in Kaminsky et al. 2011.

GRCh38/hg38 5q14.3(chr5:88720397-89487275)x1

Genes: MEF2C (myocyte enhancer factor 2C; minus strand), MEF2C-AS1 (MEF2C antisense RNA 1; plus strand), MEF2C-AS2 (MEF2C antisense RNA 2; plus strand), LOC110120688 (VISTA enhancer hs503; plus strand), LOC110120771 (VISTA enhancer hs789; plus strand) and 18 more. Cytogenetic location: 5q14.3.
Variant type: copy number loss.
Change: copy number 1 (one copy instead of two) of chr5:88,720,397-89,487,275 (766.9 kb, GRCh38 coordinates, 1-based), cytogenetic band 5q14.3.
Identifiers: ClinVar variation 59631 (VCV000059631.1).